The following is an entry in ClinVar:

NM_016219.5(MAN1B1):c.1331A>G (p.Asn444Ser)

Gene: MAN1B1 (mannosidase alpha class 1B member 1; plus strand). Cytogenetic location: 9q34.3.
Variant type: single nucleotide variant.
Coding change: c.1331A>G on transcript NM_016219.5 (MANE Select); coding-DNA position 1331, A replaced by G.
Protein change: p.Asn444Ser; replaces asparagine 444 with serine.
Molecular consequence: missense variant. On other transcripts: non-coding transcript variant (2).
Genome position (GRCh38, 1-based): chr9:137,106,201, A>G. VCF-style: chr9-137106201-A-G. GRCh37 (hg19) VCF-style: chr9-140000653-A-G.
Other names: c.1223A>G, p.Asn408Ser (NM_007230.1); short protein forms N444S, N408S.
Identifiers: ClinVar variation 1993342 (VCV001993342.4), dbSNP rs973999451, ClinGen allele CA201698097.

ClinVar aggregate classification (germline): Uncertain significance (1 of 4 stars; one submission).

Conditions:
Rafiq syndrome (RAFQS). Identifiers: Orphanet 88616, MedGen C3280127, MONDO:0013624, OMIM 614202.

Allele frequency attached by ClinVar (database versions not stated): gnomAD 0.00001; gnomAD exomes 0.00002; TOPMed 0.00002.
gnomAD v4.1: 31 of 1,611,878 alleles (0.0019%); highest among the groups gnomAD compares: Non-Finnish European, 0.0025%; no homozygotes.

Submission:

Labcorp Genetics (formerly Invitae), Labcorp
Classification: Uncertain significance for Rafiq syndrome. Last evaluated: 2024-06-03. Review status: criteria provided, single submitter. Criteria: Invitae Variant Classification Sherloc (09022015). Collection method: clinical testing. Allele origin: germline.
Comment: This sequence change replaces asparagine, which is neutral and polar, with serine, which is neutral and polar, at codon 444 of the MAN1B1 protein (p.Asn444Ser). This variant is present in population databases (no rsID available, gnomAD 0.004%). This variant has not been reported in the literature in individuals affected with MAN1B1-related conditions. ClinVar contains an entry for this variant (Variation ID: 1993342). Algorithms developed to predict the effect of missense changes on protein structure and function output the following: SIFT: "Not Available"; PolyPhen-2: "Benign"; Align-GVGD: "Not Available". The serine amino acid residue is found in multiple mammalian species, which suggests that this missense change does not adversely affect protein function. In summary, the available evidence is currently insufficient to determine the role of this variant in disease. Therefore, it has been classified as a Variant of Uncertain Significance.